The following is an entry in ClinVar:

NM_001256545.2(MEGF10):c.2234-124T>C

Gene: MEGF10 (multiple EGF like domains 10; plus strand). Cytogenetic location: 5q23.2.
Variant type: single nucleotide variant.
Coding change: c.2234-124T>C on transcript NM_001256545.2 (MANE Select); 124 bases into the intron before coding-DNA position 2234, T replaced by C.
Molecular consequence: intron variant.
Genome position (GRCh38, 1-based): chr5:127,440,615, T>C. VCF-style: chr5-127440615-T-C. GRCh37 (hg19) VCF-style: chr5-126776307-T-C.
Other names: c.2234-124T>C (NM_032446.3).
Identifiers: ClinVar variation 672413 (VCV000672413.1), dbSNP rs60681812, ClinGen allele CA126963471.

ClinVar aggregate classification (germline): Benign (1 of 4 stars; one submission).

Allele frequency attached by ClinVar (database versions not stated): gnomAD exomes 0.03052; gnomAD 0.09309 and 0.09602; TOPMed 0.10036; 1000 Genomes Project 0.11921; 1000 Genomes Project 30x 0.12414.
gnomAD v4.1: 39,550 of 973,696 alleles (4.1%); highest among the groups gnomAD compares: African/African-American, 26%; 2,668 homozygotes.

Submission:

GeneDx
Classification: Benign. Last evaluated: 2018-06-18. Review status: criteria provided, single submitter. Criteria: GeneDx Variant Classification (06012015). Collection method: clinical testing. Allele origin: germline. Affected: yes.
Comment: This variant is considered likely benign or benign based on one or more of the following criteria: it is a conservative change, it occurs at a poorly conserved position in the protein, it is predicted to be benign by multiple in silico algorithms, and/or has population frequency not consistent with disease.